The following is an entry in ClinVar:

NM_144701.3(IL23R):c.1259A>G (p.Asn420Ser)

Gene: IL23R (interleukin 23 receptor; plus strand). Cytogenetic location: 1p31.3.
Variant type: single nucleotide variant.
Coding change: c.1259A>G on transcript NM_144701.3 (MANE Select); coding-DNA position 1259, A replaced by G.
Protein change: p.Asn420Ser; replaces asparagine 420 with serine.
Molecular consequence: missense variant.
Genome position (GRCh38, 1-based): chr1:67,258,497, A>G. VCF-style: chr1-67258497-A-G. GRCh37 (hg19) VCF-style: chr1-67724180-A-G.
Other names: short protein forms N420S.
Identifiers: ClinVar variation 2077233 (VCV002077233.4), dbSNP rs1409219262, ClinGen allele CA340727715.

ClinVar aggregate classification (germline): Uncertain significance (1 of 4 stars; one submission).

Allele frequency attached by ClinVar (database versions not stated): TOPMed below 0.00001; gnomAD exomes 0.00001; gnomAD 0.00002.
gnomAD v4.1: 18 of 1,597,870 alleles (0.0011%); highest among the groups gnomAD compares: Non-Finnish European, 0.0014%; no homozygotes.

Submission:

Labcorp Genetics (formerly Invitae), Labcorp
Classification: Uncertain significance. Last evaluated: 2023-07-03. Review status: criteria provided, single submitter. Criteria: Invitae Variant Classification Sherloc (09022015). Collection method: clinical testing. Allele origin: germline.
Comment: ClinVar contains an entry for this variant (Variation ID: 2077233). Algorithms developed to predict the effect of missense changes on protein structure and function output the following: SIFT: "Not Available"; PolyPhen-2: "Benign"; Align-GVGD: "Not Available". The serine amino acid residue is found in multiple mammalian species, which suggests that this missense change does not adversely affect protein function. In summary, the available evidence is currently insufficient to determine the role of this variant in disease. Therefore, it has been classified as a Variant of Uncertain Significance. This variant has not been reported in the literature in individuals affected with IL23R-related conditions. This sequence change replaces asparagine, which is neutral and polar, with serine, which is neutral and polar, at codon 420 of the IL23R protein (p.Asn420Ser). This variant is present in population databases (no rsID available, gnomAD 0.002%).